The following is an entry in ClinVar:

ClinVar aggregate classification (germline): Uncertain significance. Review status: criteria provided, multiple submitters, no conflicts (2 of 4 stars). 2 submissions from 2 submitters: Uncertain significance (2). Last evaluated 2025-01-23.

Conditions:
Baller-Gerold syndrome (BGS). Also called: CRANIOSYNOSTOSIS WITH RADIAL DEFECTS. Identifiers: Orphanet 1225, MedGen C0265308, MONDO:0009039, OMIM 218600.
Inborn genetic diseases. Identifiers: MedGen C0950123, MeSH D030342.

gnomAD v4.1: 1 of 1,612,550 alleles (0.000062%); highest among the groups gnomAD compares: South Asian, 0.0011%; no homozygotes.

Submissions (2):

Ambry Genetics
Classification: Uncertain significance for Inborn genetic diseases. Last evaluated: 2025-01-23. Review status: criteria provided, single submitter. Criteria: Ambry Variant Classification Scheme 2023. Collection method: clinical testing. Allele origin: germline.
Comment: The p.G288E variant (also known as c.863G>A), located in coding exon 5 of the RECQL4 gene, results from a G to A substitution at nucleotide position 863. The glycine at codon 288 is replaced by glutamic acid, an amino acid with similar properties. This amino acid position is conserved. In addition, this alteration is predicted to be tolerated by in silico analysis. Based on the available evidence, the clinical significance of this variant remains unclear.

Labcorp Genetics (formerly Invitae), Labcorp
Classification: Uncertain significance for Baller-Gerold syndrome. Last evaluated: 2023-08-16. Review status: criteria provided, single submitter. Criteria: Invitae Variant Classification Sherloc (09022015). Collection method: clinical testing. Allele origin: germline.
Comment: This sequence change replaces glycine, which is neutral and non-polar, with glutamic acid, which is acidic and polar, at codon 288 of the RECQL4 protein (p.Gly288Glu). In summary, the available evidence is currently insufficient to determine the role of this variant in disease. Therefore, it has been classified as a Variant of Uncertain Significance. Advanced modeling of protein sequence and biophysical properties (such as structural, functional, and spatial information, amino acid conservation, physicochemical variation, residue mobility, and thermodynamic stability) performed at Invitae indicates that this missense variant is not expected to disrupt RECQL4 protein function. ClinVar contains an entry for this variant (Variation ID: 1405758). This variant has not been reported in the literature in individuals affected with RECQL4-related conditions. This variant is not present in population databases (gnomAD no frequency).

NM_004260.4(RECQL4):c.863G>A (p.Gly288Glu)

Gene: RECQL4 (RecQ like helicase 4; minus strand). Cytogenetic location: 8q24.3.
Variant type: single nucleotide variant.
Coding change: c.863G>A on transcript NM_004260.4 (MANE Select); coding-DNA position 863, G replaced by A.
Protein change: p.Gly288Glu; replaces glycine 288 with glutamic acid.
Molecular consequence: missense variant.
Genome position (GRCh38, 1-based): chr8:144,516,256, C>T on the plus strand (G>A on the coding strand, the complement: RECQL4 is on the minus strand). VCF-style: chr8-144516256-C-T. GRCh37 (hg19) VCF-style: chr8-145741640-C-T.
Other names: c.863G>A (NM_004260.3); short protein forms G288E.
Identifiers: ClinVar variation 1405758 (VCV001405758.7), dbSNP rs980430542, ClinGen allele CA187688758.